The following is an entry in ClinVar:

ClinVar aggregate classification (germline): Uncertain significance (1 of 4 stars; one submission).

Conditions:
Arrhythmogenic right ventricular dysplasia 13. Also called: Arrhythmogenic right ventricular dysplasia, familial, 13; ARRHYTHMOGENIC RIGHT VENTRICULAR CARDIOMYOPATHY 13. Identifiers: MedGen C3810138, MONDO:0000908, OMIM 615616.

Submission:

Labcorp Genetics (formerly Invitae), Labcorp
Classification: Uncertain significance for Arrhythmogenic right ventricular dysplasia 13. Last evaluated: 2021-05-31. Review status: criteria provided, single submitter. Criteria: Invitae Variant Classification Sherloc (09022015). Collection method: clinical testing. Allele origin: germline.
Comment: In summary, the available evidence is currently insufficient to determine the role of this variant in disease. Therefore, it has been classified as a Variant of Uncertain Significance. This variant has not been reported in the literature in individuals with CTNNA3-related conditions. This variant is a gross deletion of the genomic region encompassing exon(s) 11-15 of the CTNNA3 gene. This deletion is out-of-frame, and is expected to create a premature translational stop signal and result in an absent or disrupted protein product. However, the current clinical and genetic evidence is not sufficient to establish whether loss-of-function variants in CTNNA3 cause disease.

NC_000010.10:g.(?_67829046)_(68280551_?)del

Gene: CTNNA3 (catenin alpha 3; minus strand). Cytogenetic location: 10q21.3.
Variant type: Deletion.
Identifiers: ClinVar variation 1440778 (VCV001440778.6).